The following is an entry in ClinVar:

NM_001098.3(ACO2):c.2148C>G (p.Asn716Lys)

Genes: ACO2 (aconitase 2; plus strand), POLR3H (RNA polymerase III subunit H; minus strand). Cytogenetic location: 22q13.2.
Variant type: single nucleotide variant.
Coding change: c.2148C>G on transcript NM_001098.3 (MANE Select); coding-DNA position 2148, C replaced by G.
Protein change: p.Asn716Lys; replaces asparagine 716 with lysine.
Molecular consequence: missense variant. On other transcripts: 3 prime UTR variant (5).
Genome position (GRCh38, 1-based): chr22:41,527,962, C>G. VCF-style: chr22-41527962-C-G. GRCh37 (hg19) VCF-style: chr22-41923966-C-G.
Other names: c.*1321G>C (NM_001018050.4, NM_001018052.4, NM_001282884.2 and 2 more transcripts); short protein forms N716K.
Identifiers: ClinVar variation 2991660 (VCV002991660.3), dbSNP rs770657342, ClinGen allele CA10257908.

ClinVar aggregate classification (germline): Uncertain significance (1 of 4 stars; one submission).

Allele frequency attached by ClinVar (database versions not stated): gnomAD 0.00001; TOPMed 0.00001.
gnomAD v4.1: 8 of 1,614,068 alleles (0.0005%); highest among the groups gnomAD compares: South Asian, 0.0022%; no homozygotes.

Submission:

Labcorp Genetics (formerly Invitae), Labcorp
Classification: Uncertain significance. Last evaluated: 2022-11-03. Review status: criteria provided, single submitter. Criteria: Invitae Variant Classification Sherloc (09022015). Collection method: clinical testing. Allele origin: germline.
Comment: This missense change has been observed in individual(s) with ACO2-related disorders (PMID: 33500398). This variant is present in population databases (rs770657342, gnomAD 0.003%). This sequence change replaces asparagine, which is neutral and polar, with lysine, which is basic and polar, at codon 716 of the ACO2 protein (p.Asn716Lys). Advanced modeling of protein sequence and biophysical properties (such as structural, functional, and spatial information, amino acid conservation, physicochemical variation, residue mobility, and thermodynamic stability) performed at Invitae indicates that this missense variant is not expected to disrupt ACO2 protein function. In summary, the available evidence is currently insufficient to determine the role of this variant in disease. Therefore, it has been classified as a Variant of Uncertain Significance.

Literature cited by the submitters: PubMed 33500398.